The following is an entry in ClinVar:

ClinVar aggregate classification (germline): Uncertain significance (1 of 4 stars; one submission).

Conditions:
Hereditary cancer-predisposing syndrome. Also called: Neoplastic Syndromes, Hereditary; Hereditary Cancer Syndrome; Tumor predisposition; Hereditary neoplastic syndrome. Identifiers: Orphanet 140162, MedGen C0027672, MeSH D009386, MONDO:0015356.

Submission:

Ambry Genetics
Classification: Uncertain significance for Hereditary cancer-predisposing syndrome. Last evaluated: 2022-12-05. Review status: criteria provided, single submitter. Criteria: Ambry Variant Classification Scheme 2023. Collection method: clinical testing. Allele origin: germline.
Comment: The p.G162V variant (also known as c.485G>T), located in coding exon 3 of the RAD51C gene, results from a G to T substitution at nucleotide position 485. The glycine at codon 162 is replaced by valine, an amino acid with dissimilar properties. This amino acid position is highly conserved in available vertebrate species. In addition, the in silico prediction for this alteration is inconclusive. Since supporting evidence is limited at this time, the clinical significance of this alteration remains unclear.

NM_058216.3(RAD51C):c.485G>T (p.Gly162Val)

Gene: RAD51C (RAD51 paralog C; plus strand). Cytogenetic location: 17q22.
Variant type: single nucleotide variant.
Coding change: c.485G>T on transcript NM_058216.3 (MANE Select); coding-DNA position 485, G replaced by T.
Protein change: p.Gly162Val; replaces glycine 162 with valine.
Molecular consequence: missense variant.
Genome position (GRCh38, 1-based): chr17:58,696,773, G>T. VCF-style: chr17-58696773-G-T. GRCh37 (hg19) VCF-style: chr17-56774134-G-T.
Other names: short protein forms G162V.
Identifiers: ClinVar variation 2447773 (VCV002447773.2), dbSNP rs35151472, ClinGen allele CA400344769.